The following is an entry in ClinVar:

ClinVar aggregate classification (germline): Benign/Likely benign. Review status: criteria provided, multiple submitters, no conflicts (2 of 4 stars). 5 submissions from 5 submitters: Benign (1); Likely benign (3). 1 of the submissions does not count toward it. Last evaluated 2026-01-27.

Allele frequency attached by ClinVar (database versions not stated): 1000 Genomes Project 30x 0.00016; 1000 Genomes Project 0.00020; ESP Exome Variant Server 0.00077; TOPMed 0.00119; ExAC 0.00128; gnomAD 0.00131 and 0.00135; gnomAD exomes 0.00131 and 0.00206.
gnomAD v4.1: 3,211 of 1,614,164 alleles (0.2%); highest among the groups gnomAD compares: Non-Finnish European, 0.24%; 4 homozygotes.

Submissions (5):

Labcorp Genetics (formerly Invitae), Labcorp
Classification: Likely benign. Last evaluated: 2026-01-27. Review status: criteria provided, single submitter. Criteria: Invitae Variant Classification Sherloc (09022015). Collection method: clinical testing. Allele origin: germline.

Blueprint Genetics
Classification: Likely benign. Last evaluated: 2024-11-18. Review status: criteria provided, single submitter. Criteria: ACMG Guidelines, 2015. Collection method: clinical testing. Allele origin: germline.

CeGaT Center for Human Genetics Tuebingen
Classification: Likely benign. Last evaluated: 2024-02-01. Review status: criteria provided, single submitter. Criteria: CeGaT Center For Human Genetics Tuebingen Variant Classification Criteria Version 2. Collection method: clinical testing. Allele origin: germline. Affected: yes. Observed: 3 variant alleles.
Comment: NDUFB9: BP4, BP7

GeneDx
Classification: Benign. Last evaluated: 2014-08-28. Review status: criteria provided, single submitter. Criteria: GeneDx Variant Classification (06012015). Collection method: clinical testing. Allele origin: germline. Affected: yes.
Comment: This variant is considered likely benign or benign based on one or more of the following criteria: it is a conservative change, it occurs at a poorly conserved position in the protein, it is predicted to be benign by multiple in silico algorithms, and/or has population frequency not consistent with disease.

Mayo Clinic Laboratories, Mayo Clinic
Classification: Likely benign. Last evaluated: 2018-01-03. Review status: no assertion criteria provided. Collection method: clinical testing. Allele origin: unknown. Not counted in ClinVar's aggregate classification.

NM_005005.3(NDUFB9):c.201C>T (p.Ala67=)

Gene: NDUFB9 (NADH:ubiquinone oxidoreductase subunit B9; plus strand). Cytogenetic location: 8q24.13.
Variant type: single nucleotide variant.
Coding change: c.201C>T on transcript NM_005005.3 (MANE Select); coding-DNA position 201, C replaced by T.
Protein change: p.Ala67=; no amino-acid change (alanine 67 retained).
Molecular consequence: synonymous variant.
Genome position (GRCh38, 1-based): chr8:124,543,186, C>T. VCF-style: chr8-124543186-C-T. GRCh37 (hg19) VCF-style: chr8-125555427-C-T.
Other names: p.A67A:GCC>GCT; c.33C>T, p.Ala11= (NM_001278645.2); c.72C>T, p.Ala24= (NM_001278646.2); c.168C>T, p.Ala56= (NM_001311168.2).
Identifiers: ClinVar variation 214763 (VCV000214763.42), dbSNP rs142579814, ClinGen allele CA322271.
Genomic context (GRCh38, chr8:124,543,186, plus strand): 5'-GTTTGAAGAACATAAGAATGAAAAGGATATGGCGAAGGCCACCCAGCTGCTGAAGGAGGC[C>T]GAGGAAGAATTCTGGTACCGTCAGCATCCACAGCCATACATCTTCCCTGACTCTCCTGGG-3'
Protein context (NP_004996.1, residues 57-77): MAKATQLLKE[Ala67=]EEEFWYRQHP